The following is an entry in ClinVar:

NM_001999.4(FBN2):c.1604-1G>T

Gene: FBN2 (fibrillin 2; minus strand). Cytogenetic location: 5q23.3.
Variant type: single nucleotide variant.
Coding change: c.1604-1G>T on transcript NM_001999.4 (MANE Select); the canonical splice acceptor site of the intron before coding-DNA position 1604, G replaced by T.
Molecular consequence: splice acceptor variant.
Genome position (GRCh38, 1-based): chr5:128,378,891, C>A on the plus strand (G>T on the coding strand, the complement: FBN2 is on the minus strand). VCF-style: chr5-128378891-C-A. GRCh37 (hg19) VCF-style: chr5-127714584-C-A.
Identifiers: ClinVar variation 3659249 (VCV003659249.2).

ClinVar aggregate classification (germline): Uncertain significance (1 of 4 stars; one submission).

Conditions:
Congenital contractural arachnodactyly (CCA). Also called: BEALS SYNDROME; Arthrogryposis, distal, type 9; Beals-Hecht syndrome. Identifiers: Orphanet 115, MedGen C0220668, MONDO:0007363, OMIM 121050.

Submission:

Labcorp Genetics (formerly Invitae), Labcorp
Classification: Uncertain significance for Congenital contractural arachnodactyly. Last evaluated: 2024-07-11. Review status: criteria provided, single submitter. Criteria: Invitae Variant Classification Sherloc (09022015). Collection method: clinical testing. Allele origin: germline.
Comment: This sequence change affects an acceptor splice site in intron 11 of the FBN2 gene. It is expected to disrupt RNA splicing. Variants that disrupt the donor or acceptor splice site typically lead to a loss of protein function (PMID: 16199547), however the current clinical and genetic evidence is not sufficient to establish whether loss-of-function variants in FBN2 cause disease. This variant is not present in population databases (gnomAD no frequency). This variant has not been reported in the literature in individuals affected with FBN2-related conditions. Algorithms developed to predict the effect of sequence changes on RNA splicing suggest that this variant may disrupt the consensus splice site. In summary, the available evidence is currently insufficient to determine the role of this variant in disease. Therefore, it has been classified as a Variant of Uncertain Significance.

Literature cited by the submitters: PubMed 16199547.